The following is an entry in ClinVar:

ClinVar aggregate classification (germline): Uncertain significance. Review status: criteria provided, multiple submitters, no conflicts (2 of 4 stars). 2 submissions from 2 submitters: Uncertain significance (2). Last evaluated 2025-11-13.

Conditions:
Inborn genetic diseases. Identifiers: MedGen C0950123, MeSH D030342.
Combined immunodeficiency due to DOCK8 deficiency (HIES2). Also called: HIES autosomal recessive; HYPER-IgE RECURRENT INFECTION SYNDROME 2, AUTOSOMAL RECESSIVE; HYPER-IgE SYNDROME 2, AUTOSOMAL RECESSIVE, WITH RECURRENT INFECTIONS; Hyper-IgE recurrent infection syndrome, autosomal recessive; DOCK8 Deficiency. Identifiers: Orphanet 217390, MedGen C4722305, MONDO:0009478, OMIM 243700.

Allele frequency attached by ClinVar (database versions not stated): ExAC 0.00001; gnomAD exomes 0.00001; TOPMed 0.00002; gnomAD 0.00003 and 0.00004.
gnomAD v4.1: 15 of 1,614,052 alleles (0.00093%); highest among the groups gnomAD compares: African/African-American, 0.0053%; no homozygotes.

Submissions (2):

Ambry Genetics
Classification: Uncertain significance for Inborn genetic diseases. Last evaluated: 2025-11-13. Review status: criteria provided, single submitter. Criteria: Ambry Variant Classification Scheme 2023. Collection method: clinical testing. Allele origin: germline.

Labcorp Genetics (formerly Invitae), Labcorp
Classification: Uncertain significance for Combined immunodeficiency due to DOCK8 deficiency. Last evaluated: 2025-10-21. Review status: criteria provided, single submitter. Criteria: Invitae Variant Classification Sherloc (09022015). Collection method: clinical testing. Allele origin: germline.
Comment: This sequence change replaces isoleucine, which is neutral and non-polar, with threonine, which is neutral and polar, at codon 1316 of the DOCK8 protein (p.Ile1316Thr). This variant is present in population databases (rs770237182, gnomAD 0.008%). This variant has not been reported in the literature in individuals affected with DOCK8-related conditions. ClinVar contains an entry for this variant (Variation ID: 944011). Invitae Evidence Modeling of protein sequence and biophysical properties (such as structural, functional, and spatial information, amino acid conservation, physicochemical variation, residue mobility, and thermodynamic stability) indicates that this missense variant is not expected to disrupt DOCK8 protein function with a negative predictive value of 80%. In summary, the available evidence is currently insufficient to determine the role of this variant in disease. Therefore, it has been classified as a Variant of Uncertain Significance.

NM_203447.4(DOCK8):c.3947T>C (p.Ile1316Thr)

Gene: DOCK8 (dedicator of cytokinesis 8; plus strand). Cytogenetic location: 9p24.3.
Variant type: single nucleotide variant.
Coding change: c.3947T>C on transcript NM_203447.4 (MANE Select); coding-DNA position 3947, T replaced by C.
Protein change: p.Ile1316Thr; replaces isoleucine 1316 with threonine.
Molecular consequence: missense variant.
Genome position (GRCh38, 1-based): chr9:420,507, T>C. VCF-style: chr9-420507-T-C. GRCh37 (hg19) VCF-style: chr9-420507-T-C.
Other names: c.3647T>C, p.Ile1216Thr (NM_001190458.2); c.3743T>C, p.Ile1248Thr (NM_001193536.2); short protein forms I1316T, I1216T, I1248T.
Identifiers: ClinVar variation 944011 (VCV000944011.11), dbSNP rs770237182, ClinGen allele CA4958876.
Genomic context (GRCh38, chr9:420,507, plus strand): 5'-TCATGATCTGCTTCCTCTGGATCATGAAAAATGCTGATCAGAGCCTCATTAGGAAGTGGA[T>C]TGCTGACCTGCCATCAACGCAGCTCAACAGGATTTTAGATCTACTTTTCATCTGTGTGTT-3'
Protein context (NP_982272.2, residues 1306-1326): NADQSLIRKW[Ile1316Thr]ADLPSTQLNR